The following is an entry in ClinVar:

ClinVar aggregate classification (germline): not provided (0 of 4 stars; one submission).

Conditions:
Familial cancer of breast. Also called: hereditary breast carcinoma; BREAST CANCER, FAMILIAL; Hereditary breast cancer. Identifiers: Orphanet 227535, MedGen C0346153, MONDO:0016419, OMIM 114480. Disease mechanism: loss of function.

Submissions (2):

Brotman Baty Institute, University of Washington
No classification provided (evidence only). Condition: Breast-ovarian cancer, familial 1. Review status: no classification provided. Collection method: in vitro. Allele origin: not applicable. Functional consequence: functionally_normal. Not counted in ClinVar's aggregate classification.
ClinVar note: "not provided" was previously submitted as the classification for the variant. However, the classification appeared to be based only on an observation of functional data so it was converted to no classification on 2025-07-30.

ClinVar Staff, National Center for Biotechnology Information (NCBI)
No classification provided. Condition: Familial cancer of breast. Review status: no classification provided. Collection method: literature only. Allele origin: germline. Affected: yes.

Literature cited by the submitters: PubMed 12497638 (cited by ClinVar Staff, National Center for Biotechnology Information (NCBI)).

NM_007294.4(BRCA1):c.5277+4A>T

Gene: BRCA1 (BRCA1 DNA repair associated; minus strand). Cytogenetic location: 17q21.31.
Variant type: single nucleotide variant.
Coding change: c.5277+4A>T on transcript NM_007294.4 (MANE Select); 4 bases into the intron after coding-DNA position 5277, A replaced by T.
Molecular consequence: intron variant.
Genome position (GRCh38, 1-based): chr17:43,057,048, T>A on the plus strand (A>T on the coding strand, the complement: BRCA1 is on the minus strand). VCF-style: chr17-43057048-T-A. GRCh37 (hg19) VCF-style: chr17-41209065-T-A.
Other names: c.1824+4A>T (NM_001408458.1, NM_001408461.1, NM_001408464.1 and 7 more transcripts); c.4386+4A>T (NM_001407967.1); c.4896+4A>T (NM_001407959.1); c.5010+4A>T (NM_001407931.1, NM_001407932.1, NM_001407928.1 and 4 more transcripts); c.5133+4A>T (NM_001407747.1, NM_001407745.1, NM_001407737.1 and 21 more transcripts); c.4893+4A>T (NM_001407962.1, NM_001407960.1); c.1464+4A>T (NM_001408512.1); c.1587+4A>T (NM_001408510.1); and 72 more.
Identifiers: ClinVar variation 55497 (VCV000055497.4), dbSNP rs397509251, ClinGen allele CA003425.
Genomic context (GRCh38, chr17:43,057,048, plus strand): 5'-AAAGGGGAGTGGAATACAGAGTGGTGGGGTGAGATTTTTGTCAACTTGAGGGAGGGAGCT[T>A]TACCTTTCTGTCCTGGGATTCTCTTGCTCGCTTTGGACCTTGGTGGTTTCTTCCATTGAC-3'